The following is an entry in ClinVar:

ClinVar aggregate classification (germline): Likely benign (1 of 4 stars; one submission).

Submission:

CeGaT Center for Human Genetics Tuebingen
Classification: Likely benign. Last evaluated: 2026-04-01. Review status: criteria provided, single submitter. Criteria: CeGaT Center For Human Genetics Tuebingen Variant Classification Criteria Version 2. Collection method: clinical testing. Allele origin: germline. Affected: yes. Observed: 2 variant alleles.
Comment: ZBTB47: BP4, BP7

NM_145166.4(ZBTB47):c.1254G>C (p.Pro418=)

Gene: ZBTB47 (zinc finger and BTB domain containing 47; plus strand). Cytogenetic location: 3p22.1.
Variant type: single nucleotide variant.
Coding change: c.1254G>C on transcript NM_145166.4 (MANE Select); coding-DNA position 1254, G replaced by C.
Protein change: p.Pro418=; no amino-acid change (proline 418 retained).
Molecular consequence: synonymous variant.
Genome position (GRCh38, 1-based): chr3:42,659,609, G>C. VCF-style: chr3-42659609-G-C. GRCh37 (hg19) VCF-style: chr3-42701101-G-C.
Other names: c.1338G>C, p.Pro446= (NM_001410746.1).
Identifiers: ClinVar variation 4873066 (VCV004873066.2).
Genomic context (GRCh38, chr3:42,659,609, plus strand): 5'-GCGGGGTGGGAAGAGGCCAAAGCCACCCCCTGGAGTGGCCTCTGCATCGGCCCGAGGGCC[G>C]CCAGCCACTGATGGGCTGGGGGCCAAGGTGAAGCTGGAGGAGAAGCAGCACCATCCATGC-3'
Protein context (NP_660149.2, residues 408-428): PGVASASARG[Pro418=]PATDGLGAKV